The following is an entry in ClinVar:

ClinVar aggregate classification (germline): Uncertain significance (1 of 4 stars; one submission).

Conditions:
Candidiasis, familial, 9 (CANDF9). Identifiers: Orphanet 1334, MedGen C4225324, MONDO:0014642, OMIM 616445.

Allele frequency attached by ClinVar (database versions not stated): gnomAD exomes below 0.00001.
gnomAD v4.1: 1 of 1,613,886 alleles (0.000062%); highest among the groups gnomAD compares: Non-Finnish European, 0.000085%; no homozygotes.

Submission:

Labcorp Genetics (formerly Invitae), Labcorp
Classification: Uncertain significance for Candidiasis, familial, 9. Last evaluated: 2022-09-12. Review status: criteria provided, single submitter. Criteria: Invitae Variant Classification Sherloc (09022015). Collection method: clinical testing. Allele origin: germline.
Comment: This sequence change replaces proline, which is neutral and non-polar, with arginine, which is basic and polar, at codon 134 of the IL17RC protein (p.Pro134Arg). This variant is not present in population databases (gnomAD no frequency). This variant has not been reported in the literature in individuals affected with IL17RC-related conditions. Algorithms developed to predict the effect of missense changes on protein structure and function are either unavailable or do not agree on the potential impact of this missense change (SIFT: "Deleterious"; PolyPhen-2: "Probably Damaging"; Align-GVGD: "Class C0"). In summary, the available evidence is currently insufficient to determine the role of this variant in disease. Therefore, it has been classified as a Variant of Uncertain Significance.

NM_153460.4(IL17RC):c.188C>G (p.Pro63Arg)

Gene: IL17RC (interleukin 17 receptor C; plus strand). Cytogenetic location: 3p25.3.
Variant type: single nucleotide variant.
Coding change: c.188C>G on transcript NM_153460.4 (MANE Select); coding-DNA position 188, C replaced by G.
Protein change: p.Pro63Arg; replaces proline 63 with arginine.
Molecular consequence: missense variant. On other transcripts: non-coding transcript variant (1).
Genome position (GRCh38, 1-based): chr3:9,917,983, C>G. VCF-style: chr3-9917983-C-G. GRCh37 (hg19) VCF-style: chr3-9959667-C-G.
Other names: c.188C>G, p.Pro63Arg (NM_001203263.2, NM_001203264.2, NM_001203265.2 and 5 more transcripts); c.401C>G, p.Pro134Arg (NM_153461.4); short protein forms P63R, P134R.
Identifiers: ClinVar variation 2022129 (VCV002022129.4), dbSNP rs2083243386, ClinGen allele CA351755050.